The following is an entry in ClinVar:

ClinVar aggregate classification (germline): Pathogenic (1 of 4 stars; one submission).

Submission:

Labcorp Genetics (formerly Invitae), Labcorp
Classification: Pathogenic. Last evaluated: 2022-07-25. Review status: criteria provided, single submitter. Criteria: Invitae Variant Classification Sherloc (09022015). Collection method: clinical testing. Allele origin: germline.
Comment: This variant is a gross deletion of the genomic region encompassing exon(s) 4 of the CHM gene. This deletion is out-of-frame, and is expected to create a premature termination codon and result in an absent or disrupted protein product. Loss-of-function variants in CHM are known to be pathogenic (PMID: 9067750, 23811034). This variant has not been reported in the literature in individuals affected with CHM-related conditions. For these reasons, this variant has been classified as Pathogenic.

Literature cited by the submitters: PubMed 9067750; PubMed 23811034.

NC_000023.10:g.(?_85233751)_(85233915_?)del

Gene: CHM (CHM Rab escort protein; minus strand). Cytogenetic location: Xq21.2.
Variant type: Deletion.
Identifiers: ClinVar variation 2423009 (VCV002423009.4).